The following is an entry in ClinVar:

NM_001206927.2(DNAH8):c.9818A>G (p.Lys3273Arg)

Genes: DNAH8 (dynein axonemal heavy chain 8; plus strand), DNAH8-AS1 (DNAH8 antisense RNA 1; minus strand). Cytogenetic location: 6p21.2.
Variant type: single nucleotide variant.
Coding change: c.9818A>G on transcript NM_001206927.2 (MANE Select); coding-DNA position 9818, A replaced by G.
Protein change: p.Lys3273Arg; replaces lysine 3273 with arginine.
Molecular consequence: missense variant.
Genome position (GRCh38, 1-based): chr6:38,911,545, A>G. VCF-style: chr6-38911545-A-G. GRCh37 (hg19) VCF-style: chr6-38879321-A-G.
Other names: c.9167A>G, p.Lys3056Arg (NM_001371.4); short protein forms K3056R, K3273R.
Identifiers: ClinVar variation 3669498 (VCV003669498.2).

ClinVar aggregate classification (germline): Uncertain significance (1 of 4 stars; one submission).

Conditions:
Primary ciliary dyskinesia. Also called: Ciliary dyskinesia. Identifiers: Orphanet 244, MedGen C0008780, MONDO:0016575, HP:0012265.

Submission:

Labcorp Genetics (formerly Invitae), Labcorp
Classification: Uncertain significance for Primary ciliary dyskinesia. Last evaluated: 2025-01-20. Review status: criteria provided, single submitter. Criteria: Invitae Variant Classification Sherloc (09022015). Collection method: clinical testing. Allele origin: germline.
Comment: This sequence change replaces lysine, which is basic and polar, with arginine, which is basic and polar, at codon 3273 of the DNAH8 protein (p.Lys3273Arg). This variant is not present in population databases (gnomAD no frequency). This variant has not been reported in the literature in individuals affected with DNAH8-related conditions. Invitae Evidence Modeling of protein sequence and biophysical properties (such as structural, functional, and spatial information, amino acid conservation, physicochemical variation, residue mobility, and thermodynamic stability) has been performed for this missense variant. However, the output from this modeling did not meet the statistical confidence thresholds required to predict the impact of this variant on DNAH8 protein function. In summary, the available evidence is currently insufficient to determine the role of this variant in disease. Therefore, it has been classified as a Variant of Uncertain Significance.